The following is an entry in ClinVar:

NM_002775.5(HTRA1):c.835G>A (p.Val279Met)

Gene: HTRA1 (HtrA serine peptidase 1; plus strand). Cytogenetic location: 10q26.13.
Variant type: single nucleotide variant.
Coding change: c.835G>A on transcript NM_002775.5 (MANE Select); coding-DNA position 835, G replaced by A.
Protein change: p.Val279Met; replaces valine 279 with methionine.
Molecular consequence: missense variant.
Genome position (GRCh38, 1-based): chr10:122,506,748, G>A. VCF-style: chr10-122506748-G-A. GRCh37 (hg19) VCF-style: chr10-124266264-G-A.
Other names: short protein forms V279M.
Identifiers: ClinVar variation 977743 (VCV000977743.39), dbSNP rs745305935, ClinGen allele CA5725943.

ClinVar aggregate classification (germline): Conflicting classifications of pathogenicity. Review status: criteria provided, conflicting classifications (1 of 4 stars). 3 submissions from 3 submitters: Likely pathogenic (1); Uncertain significance (2). Last evaluated 2026-06-01.

Conditions:
HTRA1-related disorder. Also called: HTRA1-related condition.
Cerebral arteriopathy, autosomal dominant, with subcortical infarcts and leukoencephalopathy, type 2 (CADASIL2). Identifiers: MedGen C4225211, MONDO:0014768, OMIM 616779.

Allele frequency attached by ClinVar (database versions not stated): gnomAD exomes below 0.00001; ExAC 0.00001; gnomAD 0.00001; TOPMed 0.00001.
gnomAD v4.1: 11 of 1,613,592 alleles (0.00068%); highest among the groups gnomAD compares: Non-Finnish European, 0.00085%; no homozygotes.

Submissions (3):

CeGaT Center for Human Genetics Tuebingen
Classification: Likely pathogenic. Last evaluated: 2026-06-01. Review status: criteria provided, single submitter. Criteria: CeGaT Center For Human Genetics Tuebingen Variant Classification Criteria Version 2. Collection method: clinical testing. Allele origin: germline. Affected: yes. Observed: 1 variant allele.
Comment: HTRA1: PM1, PM5, PM2:Supporting, PP3, PS3:Supporting, PS4:Supporting

PreventionGenetics, part of Exact Sciences
Classification: Uncertain significance for HTRA1-related condition. Last evaluated: 2025-10-29. Review status: criteria provided, single submitter. Criteria: ACMG Guidelines, 2015. Collection method: clinical testing. Allele origin: germline.
Comment: The HTRA1 c.835G>A variant is predicted to result in the amino acid substitution p.Val279Met. This variant was reported in an individual with adult-onset cerebral small vessel disease (Uemura et al. 2023. PubMed ID: 36261288). In vitro studies demonstrate that this variant results in reduced HTRA1 protease activity (Uemura et al. 2023. PubMed ID: 36261288; Malik et al. 2024. PubMed ID: 39196222). A different missense variant affecting the same amino acid residue, c.836T>A (p.Val279Glu) has been reported in an individual with cerebral small vessel disease (Wu et al. 2020. 33688147). The c.835G>A (p.Val279Met) variant is reported in 0.00088% of alleles in individuals of European (Non-Finnish) descent in gnomAD. Although we suspect that this variant may be pathogenic, at this time, the clinical significance of this variant is uncertain due to the absence of conclusive functional and genetic evidence.

Undiagnosed Diseases Network, NIH
Classification: Uncertain significance for Cerebral arteriopathy, autosomal dominant, with subcortical infarcts and leukoencephalopathy, type 2. Last evaluated: 2020-01-20. Review status: criteria provided, single submitter. Criteria: ACMG Guidelines, 2015. Collection method: clinical testing. Allele origin: unknown. Inheritance: Autosomal dominant inheritance. Affected: yes. Observed: 1 variant allele, 1 heterozygote. Study: Undiagnosed Diseases Network (NIH), UDN.

Literature cited by the submitters: PubMed 30981321 (cited by Undiagnosed Diseases Network, NIH).